The following is an entry in ClinVar:

ClinVar aggregate classification (germline): Benign/Likely benign. Review status: criteria provided, multiple submitters, no conflicts (2 of 4 stars). 6 submissions from 6 submitters: Benign (4); Likely benign (1). 1 of the submissions does not count toward it. Last evaluated 2024-11-01.

Conditions:
21-Hydroxylase-Deficient Congenital Adrenal Hyperplasia. Also called: ADRENAL HYPERPLASIA, CONGENITAL, DUE TO 21-HYDROXYLASE DEFICIENCY; ADRENAL HYPERPLASIA III. Identifiers: MedGen C2936858, OMIM 201910.

Allele frequency attached by ClinVar (database versions not stated): ESP Exome Variant Server 0.00046; 1000 Genomes Project 0.00140; ExAC 0.00141; 1000 Genomes Project 30x 0.00859.
gnomAD v4.1: 3,267 of 1,580,942 alleles (0.21%); highest among the groups gnomAD compares: Admixed American, 0.54%; 50 homozygotes.

Submissions (6):

CeGaT Center for Human Genetics Tuebingen
Classification: Likely benign. Last evaluated: 2024-11-01. Review status: criteria provided, single submitter. Criteria: CeGaT Center For Human Genetics Tuebingen Variant Classification Criteria Version 2. Collection method: clinical testing. Allele origin: germline. Affected: yes. Observed: 2 variant alleles.
Comment: CYP21A2: BP4, BS2

Department of Pathology and Laboratory Medicine, Sinai Health System
Classification: Benign for classic congenital adrenal hyperplasia due to 21-hydroxylase deficiency. Last evaluated: 2023-03-16. Review status: criteria provided, single submitter. Criteria: ACMG Guidelines, 2015. Collection method: research. Allele origin: germline.

Newborn Screening Ontario, Children's Hospital of Eastern Ontario (CHEO)
Classification: Benign for 21-Hydroxylase-Deficient Congenital Adrenal Hyperplasia. Last evaluated: 2022-06-01. Review status: criteria provided, single submitter. Criteria: ACMG Guidelines, 2015. Collection method: clinical testing. Allele origin: germline. Inheritance: Autosomal recessive inheritance.

Athena Diagnostics
Classification: Benign. Last evaluated: 2018-04-05. Review status: criteria provided, single submitter. Criteria: Athena Diagnostics Criteria. Collection method: clinical testing. Allele origin: germline.

PreventionGenetics, part of Exact Sciences
Classification: Benign. Review status: criteria provided, single submitter. Criteria: ACMG Guidelines, 2015. Collection method: clinical testing. Allele origin: germline.

GeneReviews
No classification provided. Condition: 21-Hydroxylase-Deficient Congenital Adrenal Hyperplasia. Review status: no classification provided. Collection method: literature only. Allele origin: unknown. Not counted in ClinVar's aggregate classification.

Literature cited by the submitters: PubMed 16487445 (cited by Athena Diagnostics); PubMed 18039588 (cited by Athena Diagnostics); PubMed 1869518 (cited by Athena Diagnostics); PubMed 20970527 (cited by Athena Diagnostics); PubMed 24071710 (cited by Athena Diagnostics); PubMed 29074860 (cited by Athena Diagnostics); PubMed 27890570 (cited by Athena Diagnostics); PubMed 24503005 (cited by Athena Diagnostics); PubMed 23936690 (cited by Athena Diagnostics); PubMed 29266270 (cited by Athena Diagnostics); PubMed 29450859 (cited by Athena Diagnostics); PubMed 19505723 (cited by Athena Diagnostics); PubMed 25227725 (cited by Athena Diagnostics); PubMed 22156666 (cited by Athena Diagnostics); PubMed 20301350 (cited by GeneReviews); NCBI Bookshelf NBK1171 (cited by GeneReviews).

NM_000500.9(CYP21A2):c.552C>G (p.Asp184Glu)

Genes: CYP21A2 (cytochrome P450 family 21 subfamily A member 2; plus strand), LOC106780800 (CYP21A2 recombination region; plus strand). Cytogenetic location: 6p21.33.
Variant type: single nucleotide variant.
Coding change: c.552C>G on transcript NM_000500.9 (MANE Select); coding-DNA position 552, C replaced by G.
Protein change: p.Asp184Glu; replaces aspartic acid 184 with glutamic acid.
Molecular consequence: missense variant.
Genome position (GRCh38, 1-based): chr6:32,039,548, C>G. VCF-style: chr6-32039548-C-G. GRCh37 (hg19) VCF-style: chr6-32007325-C-G.
Other names: c.462C>G, p.Asp154Glu (NM_001128590.4); c.147C>G, p.Asp49Glu (NM_001368143.2, NM_001368144.2); short protein forms D184E, D154E, D49E.
Identifiers: ClinVar variation 65609 (VCV000065609.30), dbSNP rs397515531, ClinGen allele CA344931.